The following is an entry in ClinVar:

NM_015267.4(CUX2):c.2539C>T (p.Pro847Ser)

Gene: CUX2 (cut like homeobox 2; plus strand). Cytogenetic location: 12q24.12.
Variant type: single nucleotide variant.
Coding change: c.2539C>T on transcript NM_015267.4 (MANE Select); coding-DNA position 2539, C replaced by T.
Protein change: p.Pro847Ser; replaces proline 847 with serine.
Molecular consequence: missense variant.
Genome position (GRCh38, 1-based): chr12:111,320,548, C>T. VCF-style: chr12-111320548-C-T. GRCh37 (hg19) VCF-style: chr12-111758352-C-T.
Other names: c.2353C>T, p.Pro785Ser (NM_001370598.1); short protein forms P785S, P847S.
Identifiers: ClinVar variation 4882850 (VCV004882850.2).

ClinVar aggregate classification (germline): Uncertain significance (1 of 4 stars; one submission).

Conditions:
Developmental and epileptic encephalopathy, 67. Also called: EPILEPTIC ENCEPHALOPATHY, EARLY INFANTILE, 67. Identifiers: MedGen C4748341, MONDO:0029138, OMIM 618141.

gnomAD v4.1: 4 of 1,543,234 alleles (0.00026%); highest among the groups gnomAD compares: Admixed American, 0.0058%; no homozygotes.

Submission:

Dasa
Classification: Uncertain significance for Developmental and epileptic encephalopathy, 67. Last evaluated: 2026-04-26. Review status: criteria provided, single submitter. Criteria: DASA Assertion Criteria. Collection method: clinical testing. Allele origin: germline.
Comment: NM_015267.4(CUX2):c.2539C>T (p.Pro847Ser) is a missense variant that results in the substitution of proline with serine. This variant is rare in population databases. Computational prediction algorithms are consistent with a benign effect. The currently available literature and clinical evidence are not sufficient to establish a definitive association between this variant and the reported condition. Therefore, this variant is classified as a variant of uncertain significance.